The following is an entry in ClinVar:

NM_000088.4(COL1A1):c.3674G>A (p.Arg1225His)

Gene: COL1A1 (collagen type I alpha 1 chain; minus strand). Cytogenetic location: 17q21.33.
Variant type: single nucleotide variant.
Coding change: c.3674G>A on transcript NM_000088.4 (MANE Select); coding-DNA position 3674, G replaced by A.
Protein change: p.Arg1225His; replaces arginine 1225 with histidine.
Molecular consequence: missense variant.
Genome position (GRCh38, 1-based): chr17:50,186,780, C>T on the plus strand (G>A on the coding strand, the complement: COL1A1 is on the minus strand). VCF-style: chr17-50186780-C-T. GRCh37 (hg19) VCF-style: chr17-48264141-C-T.
Other names: p.Arg1225His; short protein forms R1225H.
Identifiers: ClinVar variation 1733822 (VCV001733822.8), dbSNP rs775208392, ClinGen allele CA8644377.

ClinVar aggregate classification (germline): Conflicting classifications of pathogenicity. Review status: criteria provided, conflicting classifications (1 of 4 stars). 5 submissions from 5 submitters: Uncertain significance (4); Likely benign (1). Last evaluated 2025-06-14.

Conditions:
COL1A1-related disorder. Also called: COL1A1-related condition; COL1A1- related disease.
Cardiovascular phenotype. Identifiers: MedGen CN230736.
Osteogenesis imperfecta type I (OI1). Also called: OI, TYPE I; OSTEOGENESIS IMPERFECTA TARDA; OSTEOGENESIS IMPERFECTA WITH BLUE SCLERAE; Osteogenesis imperfecta type 1; Lobstein's Disease; Lobstein disease. Identifiers: Orphanet 216796, Orphanet 666, MedGen C0023931, MONDO:0008146, OMIM 166200. Disease mechanism: loss of function.

Allele frequency attached by ClinVar (database versions not stated): gnomAD exomes 0.00002; gnomAD 0.00001; TOPMed 0.00001; ExAC 0.00002.

Submissions (5):

PreventionGenetics, part of Exact Sciences
Classification: Uncertain significance for COL1A1-related condition. Last evaluated: 2025-06-14. Review status: criteria provided, single submitter. Criteria: ACMG Guidelines, 2015. Collection method: clinical testing. Allele origin: germline.
Comment: The COL1A1 c.3674G>A variant is predicted to result in the amino acid substitution p.Arg1225His. To our knowledge, this variant has not been reported in the literature. This variant is reported in 0.014% of alleles in individuals of European (Finnish) descent in gnomAD. Although we suspect that this variant may be benign, at this time, the clinical significance of this variant is uncertain due to the absence of conclusive functional and genetic evidence.

GeneDx
Classification: Uncertain significance. Last evaluated: 2025-03-19. Review status: criteria provided, single submitter. Criteria: GeneDx Variant Classification Process June 2021. Collection method: clinical testing. Allele origin: germline. Affected: yes.
Comment: In silico analysis supports that this missense variant has a deleterious effect on protein structure/function; Not located in the triple helical region, where the majority of pathogenic missense variants occur (HGMD); Has not been previously published as pathogenic or benign to our knowledge

Labcorp Genetics (formerly Invitae), Labcorp
Classification: Likely benign for Osteogenesis imperfecta type I. Last evaluated: 2024-12-28. Review status: criteria provided, single submitter. Criteria: Invitae Variant Classification Sherloc (09022015). Collection method: clinical testing. Allele origin: germline.

Mayo Clinic Laboratories, Mayo Clinic
Classification: Uncertain significance. Last evaluated: 2023-04-19. Review status: criteria provided, single submitter. Criteria: ACMG Guidelines, 2015. Collection method: clinical testing. Allele origin: germline. Observed: 1 variant allele.
Comment: BS1, PP2

Ambry Genetics
Classification: Uncertain significance for Cardiovascular phenotype. Last evaluated: 2020-01-13. Review status: criteria provided, single submitter. Criteria: Ambry Variant Classification Scheme 2023. Collection method: clinical testing. Allele origin: germline.
Comment: The p.R1225H variant (also known as c.3674G>A), located in coding exon 48 of the COL1A1 gene, results from a G to A substitution at nucleotide position 3674. The arginine at codon 1225 is replaced by histidine, an amino acid with highly similar properties. This amino acid position is well conserved in available vertebrate species; however, histidine is the reference amino acid in other vertebrate species. In addition, the in silico prediction for this alteration is inconclusive. Since supporting evidence is limited at this time, the clinical significance of this alteration remains unclear.